The following is an entry in ClinVar:

NM_182961.4(SYNE1):c.19223T>C (p.Leu6408Ser)

Gene: SYNE1 (spectrin repeat containing nuclear envelope protein 1; minus strand). Cytogenetic location: 6q25.2.
Variant type: single nucleotide variant.
Coding change: c.19223T>C on transcript NM_182961.4 (MANE Select); coding-DNA position 19223, T replaced by C.
Protein change: p.Leu6408Ser; replaces leucine 6408 with serine.
Molecular consequence: missense variant.
Genome position (GRCh38, 1-based): chr6:152,255,628, A>G on the plus strand (T>C on the coding strand, the complement: SYNE1 is on the minus strand). VCF-style: chr6-152255628-A-G. GRCh37 (hg19) VCF-style: chr6-152576763-A-G.
Other names: c.19010T>C, p.Leu6337Ser (NM_033071.5); short protein forms L6337S, L6408S.
Identifiers: ClinVar variation 1364982 (VCV001364982.6), dbSNP rs758337239, ClinGen allele CA4054735.

ClinVar aggregate classification (germline): Uncertain significance (1 of 4 stars; one submission).

Conditions:
Emery-Dreifuss muscular dystrophy 4, autosomal dominant (EDMD4). Also called: EMERY-DREIFUSS MUSCULAR DYSTROPHY 4 WITH VARIABLE FEATURES. Identifiers: Orphanet 261, MedGen C2751807, MONDO:0013071, OMIM 612998.
Autosomal recessive ataxia, Beauce type. Also called: SYNE1-Related Autosomal Recessive Cerebellar Ataxia; Spinocerebellar ataxia, autosomal recessive 8; ATAXIA, RECESSIVE, OF BEAUCE; SYNE1 Deficiency. Identifiers: Orphanet 88644, MedGen C1853116, MONDO:0012549, OMIM 610743.

Allele frequency attached by ClinVar (database versions not stated): ExAC 0.00001; gnomAD exomes 0.00001.
gnomAD v4.1: 3 of 1,614,224 alleles (0.00019%); highest among the groups gnomAD compares: Admixed American, 0.005%; no homozygotes.

Submission:

Labcorp Genetics (formerly Invitae), Labcorp
Classification: Uncertain significance for Emery-Dreifuss muscular dystrophy 4, autosomal dominant; Autosomal recessive ataxia, Beauce type. Last evaluated: 2021-12-02. Review status: criteria provided, single submitter. Criteria: Invitae Variant Classification Sherloc (09022015). Collection method: clinical testing. Allele origin: germline.
Comment: This sequence change replaces leucine, which is neutral and non-polar, with serine, which is neutral and polar, at codon 6337 of the SYNE1 protein (p.Leu6337Ser). This variant is present in population databases (rs758337239, gnomAD 0.009%). This variant has not been reported in the literature in individuals affected with SYNE1-related conditions. Algorithms developed to predict the effect of missense changes on protein structure and function (SIFT, PolyPhen-2, Align-GVGD) all suggest that this variant is likely to be disruptive. In summary, the available evidence is currently insufficient to determine the role of this variant in disease. Therefore, it has been classified as a Variant of Uncertain Significance.